The following is an entry in ClinVar:

NM_004184.4(WARS1):c.1230C>T (p.Asp410=)

Gene: WARS1 (tryptophanyl-tRNA synthetase 1; minus strand). Cytogenetic location: 14q32.2.
Variant type: single nucleotide variant.
Coding change: c.1230C>T on transcript NM_004184.4 (MANE Select); coding-DNA position 1230, C replaced by T.
Protein change: p.Asp410=; no amino-acid change (aspartic acid 410 retained).
Molecular consequence: synonymous variant.
Genome position (GRCh38, 1-based): chr14:100,337,086, G>A on the plus strand (C>T on the coding strand, the complement: WARS1 is on the minus strand). VCF-style: chr14-100337086-G-A. GRCh37 (hg19) VCF-style: chr14-100803423-G-A.
Other names: p.Asp410=; c.1230C>T, p.Asp410= (NM_173701.2); c.1107C>T, p.Asp369= (NM_213645.2, NM_213646.2); c.1230C>T (NM_004184.3).
Identifiers: ClinVar variation 1879286 (VCV001879286.31), dbSNP rs2234529, ClinGen allele CA7345056.

ClinVar aggregate classification (germline): Benign/Likely benign. Review status: criteria provided, multiple submitters, no conflicts (2 of 4 stars). 3 submissions from 3 submitters: Benign (1); Likely benign (1). 1 of the submissions does not count toward it. Last evaluated 2026-09-01.

Conditions:
WARS1-related disorder. Also called: WARS1-related condition.

Allele frequency attached by ClinVar (database versions not stated): 1000 Genomes Project 0.00459; 1000 Genomes Project 30x 0.00468; gnomAD exomes 0.00487; ExAC 0.00506; TOPMed 0.00578; gnomAD 0.00626; ESP Exome Variant Server 0.00692.
gnomAD v4.1: 8,039 of 1,614,032 alleles (0.5%); highest among the groups gnomAD compares: Middle Eastern, 0.86%; 34 homozygotes.

Submissions (3):

CeGaT Center for Human Genetics Tuebingen
Classification: Likely benign. Last evaluated: 2026-09-01. Review status: criteria provided, single submitter. Criteria: CeGaT Center For Human Genetics Tuebingen Variant Classification Criteria Version 2. Collection method: clinical testing. Allele origin: germline. Affected: yes. Observed: 26 variant alleles.
Comment: WARS1: BP4, BP7, BS2

Mayo Clinic Laboratories, Mayo Clinic
Classification: Benign. Last evaluated: 2023-10-02. Review status: criteria provided, single submitter. Criteria: ACMG Guidelines, 2015. Collection method: clinical testing. Allele origin: germline. Observed: 7 variant alleles.
Comment: BS1, BS2, BP4, BP7

PreventionGenetics, part of Exact Sciences
Classification: Benign for WARS1-related condition. Last evaluated: 2019-07-09. Review status: no assertion criteria provided. Collection method: clinical testing. Allele origin: germline. Not counted in ClinVar's aggregate classification.
Comment: This variant is classified as benign based on ACMG/AMP sequence variant interpretation guidelines (Richards et al. 2015 PMID: 25741868, with internal and published modifications).

Literature cited by the submitters: PubMed 35790048 (cited by Mayo Clinic Laboratories, Mayo Clinic).